The following is an entry in ClinVar:

ClinVar aggregate classification (germline): Uncertain significance (1 of 4 stars; one submission).

Conditions:
Leber congenital amaurosis 8 (LCA8). Identifiers: Orphanet 65, MedGen C3151202, MONDO:0013453, OMIM 613835.
Retinitis pigmentosa 12 (RP12). Also called: RP WITH OR WITHOUT PPRPE; RP WITH OR WITHOUT PRESERVED PARAARTERIOLE RETINAL PIGMENT EPITHELIUM; RETINITIS PIGMENTOSA WITH OR WITHOUT PARAARTERIOLAR PRESERVATION OF RETINAL PIGMENT EPITHELIUM. Identifiers: Orphanet 791, MedGen C1838647, MONDO:0010818, OMIM 600105.

Submission:

Labcorp Genetics (formerly Invitae), Labcorp
Classification: Uncertain significance for Leber congenital amaurosis 8; Retinitis pigmentosa 12. Last evaluated: 2022-04-28. Review status: criteria provided, single submitter. Criteria: Invitae Variant Classification Sherloc (09022015). Collection method: clinical testing. Allele origin: germline.
Comment: This sequence change replaces phenylalanine, which is neutral and non-polar, with leucine, which is neutral and non-polar, at codon 909 of the CRB1 protein (p.Phe909Leu). In summary, the available evidence is currently insufficient to determine the role of this variant in disease. Therefore, it has been classified as a Variant of Uncertain Significance. Advanced modeling of protein sequence and biophysical properties (such as structural, functional, and spatial information, amino acid conservation, physicochemical variation, residue mobility, and thermodynamic stability) performed at Invitae indicates that this missense variant is expected to disrupt CRB1 protein function. This variant has not been reported in the literature in individuals affected with CRB1-related conditions. This variant is not present in population databases (gnomAD no frequency).

NM_201253.3(CRB1):c.2727C>A (p.Phe909Leu)

Gene: CRB1 (crumbs cell polarity complex component 1; plus strand). Cytogenetic location: 1q31.3.
Variant type: single nucleotide variant.
Coding change: c.2727C>A on transcript NM_201253.3 (MANE Select); coding-DNA position 2727, C replaced by A.
Protein change: p.Phe909Leu; replaces phenylalanine 909 with leucine.
Molecular consequence: missense variant. On other transcripts: non-coding transcript variant (2), intron variant (1).
Genome position (GRCh38, 1-based): chr1:197,429,499, C>A. VCF-style: chr1-197429499-C-A. GRCh37 (hg19) VCF-style: chr1-197398629-C-A.
Other names: c.2391C>A, p.Phe797Leu (NM_001193640.2); c.2655C>A, p.Phe885Leu (NM_001257965.2); c.2129-6101C>A (NM_001257966.2); short protein forms F797L, F885L, F909L.
Identifiers: ClinVar variation 2131388 (VCV002131388.4), dbSNP rs2528165580, ClinGen allele CA344040579.